The following is an entry in ClinVar:

NC_000015.9:g.25281025_25324564del

Genes: PWAR6 (Prader Willi/Angelman region RNA 6; plus strand), SNORD116-1 (small nucleolar RNA, C/D box 116-1; plus strand). Cytogenetic location: 15q11.2.
Variant type: Deletion.
Identifiers: ClinVar variation 4880180 (VCV004880180.1).

ClinVar aggregate classification (germline): Pathogenic (1 of 4 stars; one submission).

Conditions:
Prader-Willi syndrome (PWS). Identifiers: Orphanet 739, MedGen C0032897, MONDO:0008300, OMIM 176270. Disease mechanism: loss of function, Microdeletion. Inheritance: Microdletion.

Submission:

Chaochun Lab, Department of Endocrinology, Children's Hospital, Zhejiang University School Of Medicine
Classification: Pathogenic for Prader-Willi syndrome. Last evaluated: 2026-07-01. Review status: criteria provided, single submitter. Criteria: ACMG Guidelines, 2015. Collection method: provider interpretation. Allele origin: germline. Inheritance: Autosomal recessive inheritance. Affected: yes. Observed: 1 variant allele, 1 compound heterozygote.
Comment: This deletion of the SNORD116 cluster is located in the Prader-Willi syndrome critical region. This submission uses SNORD116-1 as a representative for the entire SNORD116 cluster, as the deletion encompasses multiple copies. The breakpoints were estimated by chromosomal microarray analysis (CMA) and confirmed by MLPA. No sequencing was performed to refine the breakpoints. This variant is classified as Pathogenic based on ACMG/AMP 2015 guidelines. Evidence used: PVS1 (null variant in a gene where loss-of-function is a known mechanism of disease), PM2 (absent from population databases), PP4 (patient's phenotype is highly specific for Prader-Willi syndrome).